The following is an entry in ClinVar:

NM_177438.3(DICER1):c.1604T>C (p.Val535Ala)

Gene: DICER1 (dicer 1, ribonuclease III; minus strand). Cytogenetic location: 14q32.13.
Variant type: single nucleotide variant.
Coding change: c.1604T>C on transcript NM_177438.3 (MANE Select); coding-DNA position 1604, T replaced by C.
Protein change: p.Val535Ala; replaces valine 535 with alanine.
Molecular consequence: missense variant. On other transcripts: non-coding transcript variant (6), intron variant (1).
Genome position (GRCh38, 1-based): chr14:95,116,601, A>G on the plus strand (T>C on the coding strand, the complement: DICER1 is on the minus strand). VCF-style: chr14-95116601-A-G. GRCh37 (hg19) VCF-style: chr14-95582938-A-G.
Other names: c.1604T>C, p.Val535Ala (NM_001395680.1, NM_001395682.1, NM_001395683.1 and 12 more transcripts); c.1322T>C, p.Val441Ala (NM_001395686.1); c.1199T>C, p.Val400Ala (NM_001395687.1, NM_001395688.1, NM_001395689.1 and 3 more transcripts); c.1037T>C, p.Val346Ala (NM_001395691.1); c.-59-21T>C (NM_001395697.1); short protein forms V441A, V346A, V400A, V535A.
Identifiers: ClinVar variation 4637226 (VCV004637226.1).

ClinVar aggregate classification (germline): Uncertain significance (1 of 4 stars; one submission).

Conditions:
Hereditary cancer-predisposing syndrome. Also called: Neoplastic Syndromes, Hereditary; Tumor predisposition; Hereditary Cancer Syndrome; Hereditary neoplastic syndrome. Identifiers: Orphanet 140162, MedGen C0027672, MeSH D009386, MONDO:0015356.

Submission:

Ambry Genetics
Classification: Uncertain significance for Hereditary cancer-predisposing syndrome. Last evaluated: 2025-10-17. Review status: criteria provided, single submitter. Criteria: Ambry Variant Classification Scheme 2023. Collection method: clinical testing. Allele origin: germline.
Comment: The p.V535A variant (also known as c.1604T>C), located in coding exon 9 of the DICER1 gene, results from a T to C substitution at nucleotide position 1604. The valine at codon 535 is replaced by alanine, an amino acid with similar properties. This amino acid position is conserved. In addition, the in silico prediction for this alteration is inconclusive. Based on the available evidence, the clinical significance of this variant remains unclear.